The following is an entry in ClinVar:

ClinVar aggregate classification (germline): Likely benign (1 of 4 stars; one submission).

gnomAD v4.1: 4 of 1,204,353 alleles (0.00033%); highest among the groups gnomAD compares: South Asian, 0.0018%; no homozygotes.

Submission:

Women's Health and Genetics/Laboratory Corporation of America, LabCorp
Classification: Likely benign. Last evaluated: 2025-05-28. Review status: criteria provided, single submitter. Criteria: LabCorp Variant Classification Summary - May 2015. Collection method: clinical testing. Allele origin: germline.
Comment: Variant summary: DDX3X c.1497+12C>T alters a non-conserved nucleotide located at a position not widely known to affect splicing. Consensus agreement among computation tools predict no significant impact on normal splicing. However, these predictions have yet to be confirmed by functional studies. The variant was absent in 176314 control chromosomes. The available data on variant occurrences in the general population are insufficient to allow any conclusion about variant significance. To our knowledge, no occurrence of c.1497+12C>T in individuals affected with X-Linked Intellectual Disability 102 and no experimental evidence demonstrating its impact on protein function have been reported. No submitters have cited clinical-significance assessments for this variant to ClinVar. Based on the evidence outlined above, the variant was classified as likely benign.

NM_001356.5(DDX3X):c.1497+12C>T

Gene: DDX3X (DEAD-box helicase 3 X-linked; plus strand). Cytogenetic location: Xp11.4.
Variant type: single nucleotide variant.
Coding change: c.1497+12C>T on transcript NM_001356.5 (MANE Select); 12 bases into the intron after coding-DNA position 1497, C replaced by T.
Molecular consequence: intron variant.
Genome position (GRCh38, 1-based): chrX:41,346,422, C>T. VCF-style: chrX-41346422-C-T. GRCh37 (hg19) VCF-style: chrX-41205675-C-T.
Other names: c.1497+12C>T (NM_001193416.3); c.1449+12C>T (NM_001193417.3); c.939+12C>T (NM_001363819.1).
Identifiers: ClinVar variation 3902513 (VCV003902513.1).
Genomic context (GRCh38, chrX:41,346,422, plus strand): 5'-CCTTCACCAGTTCCGCTCAGGAAAAAGCCCAATTTTAGTGGCTACAGCAGTATGTATAAA[C>T]ATCTTTCTTTTATTCAAATTGAGCATGTTCAAGTATTTGTTTTCTTTTAAGTGGGCCATA-3'